The following is an entry in ClinVar:

ClinVar aggregate classification (germline): Likely benign (1 of 4 stars; one submission).

Conditions:
LSR-related condition.

gnomAD v4.1: 1 of 1,614,018 alleles (0.000062%); highest among the groups gnomAD compares: African/African-American, 0.0013%; no homozygotes.

Submission:

PreventionGenetics, part of Exact Sciences
Classification: Likely benign for LSR-related condition. Last evaluated: 2026-01-12. Review status: criteria provided, single submitter. Criteria: ACMG Guidelines, 2015. Collection method: clinical testing. Allele origin: germline.
Comment: This variant is classified as likely benign based on ACMG/AMP sequence variant interpretation guidelines (Richards et al. 2015 PMID: 25741868, with internal and published modifications).

NM_205834.4(LSR):c.309C>T (p.Ala103=)

Gene: LSR (lipolysis stimulated lipoprotein receptor; plus strand). Cytogenetic location: 19q13.12.
Variant type: single nucleotide variant.
Coding change: c.309C>T on transcript NM_205834.4 (MANE Select); coding-DNA position 309, C replaced by T.
Protein change: p.Ala103=; no amino-acid change (alanine 103 retained).
Molecular consequence: synonymous variant.
Genome position (GRCh38, 1-based): chr19:35,250,514, C>T. VCF-style: chr19-35250514-C-T. GRCh37 (hg19) VCF-style: chr19-35741417-C-T.
Other names: c.309C>T, p.Ala103= (NM_001260489.2, NM_001260490.2, NM_001385215.1 and 2 more transcripts).
Identifiers: ClinVar variation 4997966 (VCV004997966.1).
Genomic context (GRCh38, chr19:35,250,514, plus strand): 5'-CTGCCGGGACCGCATCGCCGATGCCTTCTCCCCGGCCAGCGTCGACAACCAGCTCAATGC[C>T]CAGCTGGCAGCCGGGAACCCAGGCTACAACCCCTACGTTGAGTGCCAGGACAGCGTGCGC-3'
Protein context (NP_991403.2, residues 93-113): SPASVDNQLN[Ala103=]QLAAGNPGYN